The following is an entry in ClinVar:

NM_001046.3(SLC12A2):c.1249G>A (p.Val417Ile)

Gene: SLC12A2 (solute carrier family 12 member 2; plus strand). Cytogenetic location: 5q23.3.
Variant type: single nucleotide variant.
Coding change: c.1249G>A on transcript NM_001046.3 (MANE Select); coding-DNA position 1249, G replaced by A.
Protein change: p.Val417Ile; replaces valine 417 with isoleucine.
Molecular consequence: missense variant. On other transcripts: non-coding transcript variant (1).
Genome position (GRCh38, 1-based): chr5:128,134,225, G>A. VCF-style: chr5-128134225-G-A. GRCh37 (hg19) VCF-style: chr5-127469917-G-A.
Other names: c.1249G>A, p.Val417Ile (NM_001256461.2); short protein forms V417I.
Identifiers: ClinVar variation 4750254 (VCV004750254.1).

ClinVar aggregate classification (germline): Uncertain significance (1 of 4 stars; one submission).

gnomAD v4.1: 14 of 1,608,538 alleles (0.00087%); highest among the groups gnomAD compares: Middle Eastern, 0.1%; no homozygotes.

Submission:

Labcorp Genetics (formerly Invitae), Labcorp
Classification: Uncertain significance. Last evaluated: 2025-06-15. Review status: criteria provided, single submitter. Criteria: Invitae Variant Classification Sherloc (09022015). Collection method: clinical testing. Allele origin: germline.
Comment: This sequence change replaces valine, which is neutral and non-polar, with isoleucine, which is neutral and non-polar, at codon 417 of the SLC12A2 protein (p.Val417Ile). This variant is present in population databases (rs141726949, gnomAD 0.004%). This variant has not been reported in the literature in individuals affected with SLC12A2-related conditions. Invitae Evidence Modeling of protein sequence and biophysical properties (such as structural, functional, and spatial information, amino acid conservation, physicochemical variation, residue mobility, and thermodynamic stability) indicates that this missense variant is not expected to disrupt SLC12A2 protein function with a negative predictive value of 80%. In summary, the available evidence is currently insufficient to determine the role of this variant in disease. Therefore, it has been classified as a Variant of Uncertain Significance.